The following is an entry in ClinVar:

ClinVar aggregate classification (germline): Benign. Review status: criteria provided, multiple submitters, no conflicts (2 of 4 stars). 3 submissions from 3 submitters: Benign (2). 1 of the submissions does not count toward it. Last evaluated 2026-02-02.

Conditions:
FASN-related disorder. Also called: FASN-related condition.
Epileptic encephalopathy. Identifiers: MedGen C0543888, HP:0200134.

Allele frequency attached by ClinVar (database versions not stated): ExAC 0.00713; gnomAD 0.02366 and 0.02531; 1000 Genomes Project 0.02456; TOPMed 0.02622; ESP Exome Variant Server 0.02722; 1000 Genomes Project 30x 0.02764.

Submissions (3):

Labcorp Genetics (formerly Invitae), Labcorp
Classification: Benign for Epileptic encephalopathy. Last evaluated: 2026-02-02. Review status: criteria provided, single submitter. Criteria: Invitae Variant Classification Sherloc (09022015). Collection method: clinical testing. Allele origin: germline.

Breakthrough Genomics
Classification: Benign. Review status: criteria provided, single submitter. Criteria: ACMG Guidelines, 2015. Collection method: not provided. Allele origin: germline. Inheritance: Unknown mechanism. Affected: yes.

PreventionGenetics, part of Exact Sciences
Classification: Benign for FASN-related condition. Last evaluated: 2019-04-17. Review status: no assertion criteria provided. Collection method: clinical testing. Allele origin: germline. Not counted in ClinVar's aggregate classification.
Comment: This variant is classified as benign based on ACMG/AMP sequence variant interpretation guidelines (Richards et al. 2015 PMID: 25741868, with internal and published modifications).

NM_004104.5(FASN):c.6012-10G>A

Gene: FASN (fatty acid synthase; minus strand). Cytogenetic location: 17q25.3.
Variant type: single nucleotide variant.
Coding change: c.6012-10G>A on transcript NM_004104.5 (MANE Select); 10 bases into the intron before coding-DNA position 6012, G replaced by A.
Molecular consequence: intron variant.
Genome position (GRCh38, 1-based): chr17:82,082,170, C>T on the plus strand (G>A on the coding strand, the complement: FASN is on the minus strand). VCF-style: chr17-82082170-C-T. GRCh37 (hg19) VCF-style: chr17-80040046-C-T.
Identifiers: ClinVar variation 462087 (VCV000462087.15), dbSNP rs45491595, ClinGen allele CA8851450.